The following is an entry in ClinVar:

NM_001538.4(HSF4):c.-565G>A

Genes: FBXL8 (F-box and leucine rich repeat protein 8; plus strand), HSF4 (heat shock transcription factor 4; plus strand). Cytogenetic location: 16q22.1.
Variant type: single nucleotide variant.
Coding change: c.-565G>A on transcript NM_001538.4; 565 bases upstream of the start codon, G replaced by A.
Molecular consequence: 5 prime UTR variant. On other transcripts: missense variant (1).
Genome position (GRCh38, 1-based): chr16:67,163,785, G>A. VCF-style: chr16-67163785-G-A. GRCh37 (hg19) VCF-style: chr16-67197688-G-A.
Other names: c.-565G>A (NM_001040667.3); c.1090G>A, p.Glu364Lys (NM_018378.3); short protein forms E364K.
Identifiers: ClinVar variation 320168 (VCV000320168.7), dbSNP rs147591659, ClinGen allele CA8101613.

ClinVar aggregate classification (germline): Benign (1 of 4 stars; one submission).

Conditions:
Cataract 5 multiple types (CTRCT5). Also called: Lamellar cataract; CATARACT 5, LAMELLAR; CATARACT, MARNER TYPE. Identifiers: Orphanet 91492, MedGen C0266537, MONDO:0007290, OMIM 116800, HP:0007971.

Allele frequency attached by ClinVar (database versions not stated): TOPMed 0.00002.

Submission:

Illumina Laboratory Services, Illumina
Classification: Benign for Cataract 5 multiple types. Last evaluated: 2018-01-12. Review status: criteria provided, single submitter. Criteria: ICSL Variant Classification Criteria 13 December 2019. Collection method: clinical testing. Allele origin: germline.
Comment: This variant was observed in the ICSL laboratory as part of a predisposition screen in an ostensibly healthy population. It had not been previously curated by ICSL or reported in the Human Gene Mutation Database (HGMD: prior to June 1st, 2018), and was therefore a candidate for classification through an automated scoring system. Utilizing variant allele frequency, disease prevalence and penetrance estimates, and inheritance mode, an automated score was calculated to assess if this variant is too frequent to cause the disease. Based on the score and internal cut-off values, a variant classified as benign is not then subjected to further curation. The score for this variant resulted in a classification of benign for this disease.